The following is an entry in ClinVar:

ClinVar aggregate classification (germline): Uncertain significance (1 of 4 stars; one submission).

Allele frequency attached by ClinVar (database versions not stated): gnomAD exomes below 0.00001; TOPMed below 0.00001; ExAC 0.00001; ESP Exome Variant Server 0.00010.
gnomAD v4.1: 5 of 1,211,751 alleles (0.00041%); highest among the groups gnomAD compares: Admixed American, 0.0022%; no homozygotes.

Submission:

Labcorp Genetics (formerly Invitae), Labcorp
Classification: Uncertain significance. Last evaluated: 2024-01-03. Review status: criteria provided, single submitter. Criteria: Invitae Variant Classification Sherloc (09022015). Collection method: clinical testing. Allele origin: germline.
Comment: This sequence change replaces isoleucine, which is neutral and non-polar, with valine, which is neutral and non-polar, at codon 912 of the USP9X protein (p.Ile912Val). This variant is present in population databases (rs370045225, gnomAD 0.008%). This missense change has been observed in individual(s) with clinical features of USP9X-related conditions (PMID: 31443933). An algorithm developed to predict the effect of missense changes on protein structure and function (PolyPhen-2) suggests that this variant is likely to be tolerated. In summary, the available evidence is currently insufficient to determine the role of this variant in disease. Therefore, it has been classified as a Variant of Uncertain Significance.

Literature cited by the submitters: PubMed 31443933.

NM_001039591.3(USP9X):c.2734A>G (p.Ile912Val)

Gene: USP9X (ubiquitin specific peptidase 9 X-linked; plus strand). Cytogenetic location: Xp11.4.
Variant type: single nucleotide variant.
Coding change: c.2734A>G on transcript NM_001039591.3 (MANE Select); coding-DNA position 2734, A replaced by G.
Protein change: p.Ile912Val; replaces isoleucine 912 with valine.
Molecular consequence: missense variant.
Genome position (GRCh38, 1-based): chrX:41,170,092, A>G. VCF-style: chrX-41170092-A-G. GRCh37 (hg19) VCF-style: chrX-41029345-A-G.
Other names: c.2734A>G, p.Ile912Val (NM_001039590.3); c.2749A>G, p.Ile917Val (NM_001410748.1, NM_001410749.1); short protein forms I912V, I917V.
Identifiers: ClinVar variation 2907573 (VCV002907573.3), dbSNP rs370045225, ClinGen allele CA10388595.